The following is an entry in ClinVar:

NM_014244.5(ADAMTS2):c.466_468delinsGTATAAGAGACAGT (p.Leu156delinsValTer)

Gene: ADAMTS2 (ADAM metallopeptidase with thrombospondin type 1 motif 2; minus strand). Cytogenetic location: 5q35.3.
Variant type: Indel.
Coding change: c.466_468delinsGTATAAGAGACAGT on transcript NM_014244.5 (MANE Select); coding-DNA positions 466 to 468, CTC replaced by GTATAAGAGACAGT.
Protein change: p.Leu156delinsValTer.
Molecular consequence: nonsense.
Genome position (GRCh38, 1-based): chr5:179,343,833-179,343,835, GAG replaced by ACTGTCTCTTATAC on the plus strand (CTC replaced by GTATAAGAGACAGT on the coding strand, the reverse complement: ADAMTS2 is on the minus strand). VCF-style: chr5-179343833-GAG-ACTGTCTCTTATAC. GRCh37 (hg19) VCF-style: chr5-178770834-GAG-ACTGTCTCTTATAC.
Other names: c.466_468delinsGTATAAGAGACAGT, p.Leu156delinsValTer (NM_021599.4).
Identifiers: ClinVar variation 5011228 (VCV005011228.1).

ClinVar aggregate classification (germline): Pathogenic (1 of 4 stars; one submission).

Conditions:
Ehlers-Danlos syndrome, dermatosparaxis type. Also called: EDS VIIC; Dermatosparaxis; Ehlers-Danlos syndrome, type VII, autosomal recessive. Identifiers: Orphanet 1901, MedGen C2700425, MONDO:0009161, OMIM 225410.

Submission:

Myriad Genetics, Inc.
Classification: Pathogenic for Ehlers-Danlos syndrome, dermatosparaxis type. Last evaluated: 2024-05-14. Review status: criteria provided, single submitter. Criteria: Myriad Autosomal Dominant, Autosomal Recessive and X-Linked Classification Criteria (2023). Collection method: clinical testing. Allele origin: unknown.
Comment: NM_014244.4(ADAMTS2):c.466_468del3ins14(L156Vfs*2) is expected to be pathogenic in the context of Ehlers-Danlos syndrome, ADAMTS2-related. This variant is predicted to lead to an abnormal or absent protein product due to the creation of a premature termination codon in ADAMTS2, a gene where loss-of-function variants are known to be pathogenic. Please note: this variant was assessed in the context of healthy population screening.